The following is an entry in ClinVar:

ClinVar aggregate classification (germline): Uncertain significance (1 of 4 stars; one submission).

Allele frequency attached by ClinVar (database versions not stated): gnomAD exomes below 0.00001; TOPMed below 0.00001; ExAC 0.00001; gnomAD 0.00001.
gnomAD v4.1: 2 of 1,612,480 alleles (0.00012%); highest among the groups gnomAD compares: Admixed American, 0.0017%; no homozygotes.

Submission:

GeneDx
Classification: Uncertain significance. Last evaluated: 2023-03-20. Review status: criteria provided, single submitter. Criteria: GeneDx Variant Classification Process June 2021. Collection method: clinical testing. Allele origin: germline. Affected: yes.
Comment: Not observed at significant frequency in large population cohorts (gnomAD); In silico analysis supports that this missense variant does not alter protein structure/function; Has not been previously published as pathogenic or benign to our knowledge

NM_005751.5(AKAP9):c.4903A>G (p.Arg1635Gly)

Gene: AKAP9 (A-kinase anchoring protein 9; plus strand). Cytogenetic location: 7q21.2.
Variant type: single nucleotide variant.
Coding change: c.4903A>G on transcript NM_005751.5 (MANE Select); coding-DNA position 4903, A replaced by G.
Protein change: p.Arg1635Gly; replaces arginine 1635 with glycine.
Molecular consequence: missense variant.
Genome position (GRCh38, 1-based): chr7:92,040,884, A>G. VCF-style: chr7-92040884-A-G. GRCh37 (hg19) VCF-style: chr7-91670198-A-G.
Other names: c.4903A>G, p.Arg1635Gly (NM_147185.3); short protein forms R1635G.
Identifiers: ClinVar variation 2580486 (VCV002580486.1), dbSNP rs374342815, ClinGen allele CA4336675.